The following is an entry in ClinVar:

ClinVar aggregate classification (germline): Likely benign (1 of 4 stars; one submission).

Allele frequency attached by ClinVar (database versions not stated): ESP Exome Variant Server 0.00015; gnomAD 0.00021 and 0.00038; gnomAD exomes 0.00047 and 0.00086; TOPMed 0.00048; ExAC 0.00100; 1000 Genomes Project 30x 0.00141; 1000 Genomes Project 0.00160.
gnomAD v4.1: 717 of 1,534,954 alleles (0.047%); highest among the groups gnomAD compares: East Asian, 0.89%; 6 homozygotes.

Submission:

GeneDx
Classification: Likely benign. Last evaluated: 2021-11-12. Review status: criteria provided, single submitter. Criteria: GeneDx Variant Classification Process June 2021. Collection method: clinical testing. Allele origin: germline. Affected: yes.
Comment: See Variant Classification Assertion Criteria.

NM_003640.5(ELP1):c.2958+29C>T

Gene: ELP1 (elongator acetyltransferase complex subunit 1; minus strand). Cytogenetic location: 9q31.3.
Variant type: single nucleotide variant.
Coding change: c.2958+29C>T on transcript NM_003640.5 (MANE Select); 29 bases into the intron after coding-DNA position 2958, C replaced by T.
Molecular consequence: intron variant.
Genome position (GRCh38, 1-based): chr9:108,892,957, G>A on the plus strand (C>T on the coding strand, the complement: ELP1 is on the minus strand). VCF-style: chr9-108892957-G-A. GRCh37 (hg19) VCF-style: chr9-111655237-G-A.
Other names: c.2616+29C>T (NM_001318360.2); c.1911+29C>T (NM_001330749.2).
Identifiers: ClinVar variation 1702754 (VCV001702754.2), dbSNP rs141550637, ClinGen allele CA5174484.